The following is an entry in ClinVar:

ClinVar aggregate classification (germline): Uncertain significance (1 of 4 stars; one submission).

Submission:

Labcorp Genetics (formerly Invitae), Labcorp
Classification: Uncertain significance. Last evaluated: 2022-04-12. Review status: criteria provided, single submitter. Criteria: Invitae Variant Classification Sherloc (09022015). Collection method: clinical testing. Allele origin: germline.
Comment: In summary, the available evidence is currently insufficient to determine the role of this variant in disease. Therefore, it has been classified as a Variant of Uncertain Significance. Algorithms developed to predict the effect of missense changes on protein structure and function are either unavailable or do not agree on the potential impact of this missense change (SIFT: "Deleterious"; PolyPhen-2: "Probably Damaging"; Align-GVGD: "Class C15"). This variant has not been reported in the literature in individuals affected with CSGALNACT1-related conditions. This variant is not present in population databases (gnomAD no frequency). This sequence change replaces leucine, which is neutral and non-polar, with phenylalanine, which is neutral and non-polar, at codon 296 of the CSGALNACT1 protein (p.Leu296Phe).

NM_001354483.2(CSGALNACT1):c.886C>T (p.Leu296Phe)

Gene: CSGALNACT1 (chondroitin sulfate N-acetylgalactosaminyltransferase 1; minus strand). Cytogenetic location: 8p21.3.
Variant type: single nucleotide variant.
Coding change: c.886C>T on transcript NM_001354483.2 (MANE Select); coding-DNA position 886, C replaced by T.
Protein change: p.Leu296Phe; replaces leucine 296 with phenylalanine.
Molecular consequence: missense variant. On other transcripts: non-coding transcript variant (7).
Genome position (GRCh38, 1-based): chr8:19,439,897, G>A on the plus strand (C>T on the coding strand, the complement: CSGALNACT1 is on the minus strand). VCF-style: chr8-19439897-G-A. GRCh37 (hg19) VCF-style: chr8-19297408-G-A.
Other names: c.886C>T, p.Leu296Phe (NM_001354498.2, NM_001354499.2, NM_018371.5 and 18 more transcripts); short protein forms L296F.
Identifiers: ClinVar variation 1934219 (VCV001934219.5), dbSNP rs2539012413, ClinGen allele CA370454940.